The following is an entry in ClinVar:

ClinVar aggregate classification (germline): Uncertain significance (1 of 4 stars; one submission).

gnomAD v4.1: 8 of 1,561,744 alleles (0.00051%); highest among the groups gnomAD compares: South Asian, 0.0012%; no homozygotes.

Submission:

Mayo Clinic Laboratories, Mayo Clinic
Classification: Uncertain significance. Last evaluated: 2023-10-04. Review status: criteria provided, single submitter. Criteria: ACMG Guidelines, 2015. Collection method: clinical testing. Allele origin: germline. Observed: 1 variant allele.
Comment: PM2_moderate

NM_012268.4(PLD3):c.484C>T (p.Arg162Cys)

Gene: PLD3 (phospholipase D family member 3; plus strand). Cytogenetic location: 19q13.2.
Variant type: single nucleotide variant.
Coding change: c.484C>T on transcript NM_012268.4 (MANE Select); coding-DNA position 484, C replaced by T.
Protein change: p.Arg162Cys; replaces arginine 162 with cysteine.
Molecular consequence: missense variant.
Genome position (GRCh38, 1-based): chr19:40,369,962, C>T. VCF-style: chr19-40369962-C-T. GRCh37 (hg19) VCF-style: chr19-40875869-C-T.
Other names: p.Arg162Cys; c.484C>T, p.Arg162Cys (NM_001031696.4, NM_001291311.2); short protein forms R162C.
Identifiers: ClinVar variation 3380618 (VCV003380618.1).